The following is an entry in ClinVar:

NM_000059.4(BRCA2):c.7805+1290C>A

Gene: BRCA2 (BRCA2 DNA repair associated; plus strand). Cytogenetic location: 13q13.1.
Variant type: single nucleotide variant.
Coding change: c.7805+1290C>A on transcript NM_000059.4 (MANE Select); 1290 bases into the intron after coding-DNA position 7805, C replaced by A.
Molecular consequence: intron variant.
Genome position (GRCh38, 1-based): chr13:32,359,219, C>A. VCF-style: chr13-32359219-C-A. GRCh37 (hg19) VCF-style: chr13-32933356-C-A.
Identifiers: ClinVar variation 264950 (VCV000264950.1), dbSNP rs559160843, ClinGen allele CA10588126.

ClinVar aggregate classification (germline): Benign (3 of 4 stars; one submission).

Conditions:
Breast-ovarian cancer, familial, susceptibility to, 2 (BROVCA2). Also called: BRCA2 Hereditary Breast and Ovarian Cancer. Identifiers: Orphanet 145, MedGen C2675520, MONDO:0012933, OMIM 612555. Disease mechanism: loss of function.

Allele frequency attached by ClinVar (database versions not stated): 1000 Genomes Project 0.94050.

Submission:

Evidence-based Network for the Interpretation of Germline Mutant Alleles (ENIGMA)
Classification: Benign for Breast-ovarian cancer, familial, susceptibility to, 2. Last evaluated: 2016-09-28. Review status: reviewed by expert panel. Criteria: ENIGMA BRCA1/2 Classification Criteria (2015). Collection method: curation. Allele origin: germline.
Comment: Class 1 not pathogenic based on frequency >1% in an outbred sampleset. Frequency 0.9205 (European), 0.9743 (African), 0.9611 (Admixed American/Latino), 0.8948 (East Asian), 0.9479 (South Asian), derived from 1000 genomes (2013-05-02).